The following is an entry in ClinVar:

NM_001370298.3(FGD4):c.1795G>A (p.Gly599Ser)

Gene: FGD4 (FYVE, RhoGEF and PH domain containing 4; plus strand). Cytogenetic location: 12p11.21.
Variant type: single nucleotide variant.
Coding change: c.1795G>A on transcript NM_001370298.3 (MANE Select); coding-DNA position 1795, G replaced by A.
Protein change: p.Gly599Ser; replaces glycine 599 with serine.
Molecular consequence: missense variant.
Genome position (GRCh38, 1-based): chr12:32,619,743, G>A. VCF-style: chr12-32619743-G-A. GRCh37 (hg19) VCF-style: chr12-32772677-G-A.
Other names: c.1639G>A, p.Gly547Ser (NM_001304481.2); c.640G>A, p.Gly214Ser (NM_001304483.2); c.352G>A, p.Gly118Ser (NM_001304484.2); c.1105G>A, p.Gly369Ser (NM_001330373.2, NM_001330374.2, NM_001384130.1); c.832G>A, p.Gly278Ser (NM_001370297.1); c.1795G>A, p.Gly599Ser (NM_001384126.1); c.1384G>A, p.Gly462Ser (NM_001384127.1, NM_001384128.1, NM_001385118.1 and 1 more transcripts); short protein forms G462S, G118S, G214S, G278S, G547S, G369S, G599S.
Identifiers: ClinVar variation 1771356 (VCV001771356.2), dbSNP rs2540750559, ClinGen allele CA384364222.

ClinVar aggregate classification (germline): Uncertain significance (1 of 4 stars; one submission).

Conditions:
Inborn genetic diseases. Identifiers: MedGen C0950123, MeSH D030342.

Allele frequency attached by ClinVar (database versions not stated): gnomAD exomes below 0.00001.
gnomAD v4.1: 1 of 1,614,040 alleles (0.000062%); highest among the groups gnomAD compares: Non-Finnish European, 0.000085%; no homozygotes.

Submission:

Ambry Genetics
Classification: Uncertain significance for Inborn genetic diseases. Last evaluated: 2022-02-14. Review status: criteria provided, single submitter. Criteria: Ambry Variant Classification Scheme 2023. Collection method: clinical testing. Allele origin: germline.
Comment: The p.G462S variant (also known as c.1384G>A), located in coding exon 9 of the FGD4 gene, results from a G to A substitution at nucleotide position 1384. The glycine at codon 462 is replaced by serine, an amino acid with similar properties. This amino acid position is conserved. In addition, this alteration is predicted to be deleterious by in silico analysis. Since supporting evidence is limited at this time, the clinical significance of this alteration remains unclear.